The following is an entry in ClinVar:

ClinVar aggregate classification (germline): Likely benign (1 of 4 stars; one submission).

Submission:

CeGaT Center for Human Genetics Tuebingen
Classification: Likely benign. Last evaluated: 2024-01-01. Review status: criteria provided, single submitter. Criteria: CeGaT Center For Human Genetics Tuebingen Variant Classification Criteria Version 2. Collection method: clinical testing. Allele origin: germline. Affected: yes. Observed: 1 variant allele.
Comment: TTN: PM2:Supporting, BP4, BP7

NM_001267550.2(TTN):c.67890C>G (p.Gly22630=)

Genes: TTN (titin; minus strand), TTN-AS1 (TTN antisense RNA 1; plus strand), LOC126806423 (CDK7 strongly-dependent group 2 enhancer GRCh37_chr2:179443309-179444508; plus strand). Cytogenetic location: 2q31.2.
Variant type: single nucleotide variant.
Coding change: c.67890C>G on transcript NM_001267550.2 (MANE Select); coding-DNA position 67890, C replaced by G.
Protein change: p.Gly22630=; no amino-acid change (glycine 22630 retained).
Molecular consequence: synonymous variant.
Genome position (GRCh38, 1-based): chr2:178,579,140, G>C on the plus strand (C>G on the coding strand, the complement: TTN is on the minus strand). VCF-style: chr2-178579140-G-C. GRCh37 (hg19) VCF-style: chr2-179443867-G-C.
Other names: c.40695C>G, p.Gly13565= (NM_003319.4); c.60186C>G, p.Gly20062= (NM_133378.4); c.41070C>G, p.Gly13690= (NM_133432.3); c.41271C>G, p.Gly13757= (NM_133437.4); c.62967C>G, p.Gly20989= (NM_001256850.1).
Identifiers: ClinVar variation 3026774 (VCV003026774.22), dbSNP rs2468869678, ClinGen allele CA430259982.